The following is an entry in ClinVar:

NM_000051.4(ATM):c.1065+5A>G

Gene: ATM (ATM serine/threonine kinase; plus strand). Cytogenetic location: 11q22.3.
Variant type: single nucleotide variant.
Coding change: c.1065+5A>G on transcript NM_000051.4 (MANE Select); 5 bases into the intron after coding-DNA position 1065, A replaced by G.
Molecular consequence: intron variant.
Genome position (GRCh38, 1-based): chr11:108,247,132, A>G. VCF-style: chr11-108247132-A-G. GRCh37 (hg19) VCF-style: chr11-108117859-A-G.
Other names: c.1065+5A>G (NM_001351834.2).
Identifiers: ClinVar variation 1332278 (VCV001332278.3), dbSNP rs1204741025, ClinGen allele CA602132504.
Genomic context (GRCh38, chr11:108,247,132, plus strand): 5'-GTAATATTGCCGTCAAAGAAAATTTGATTGAATTGATGGCAGATATCTGTCACCAGGTAC[A>G]GTAAGTAGGTCATGTCACATTTAGAAATTTCCTGTTAATTTTTTTTTTAAACTGGGCATT-3'

ClinVar aggregate classification (germline): Uncertain significance. Review status: criteria provided, multiple submitters, no conflicts (2 of 4 stars). 2 submissions from 2 submitters: Uncertain significance (2). Last evaluated 2025-12-09.

Conditions:
Hereditary cancer-predisposing syndrome. Also called: Hereditary Cancer Syndrome; Hereditary neoplastic syndrome; Neoplastic Syndromes, Hereditary; Tumor predisposition. Identifiers: Orphanet 140162, MedGen C0027672, MeSH D009386, MONDO:0015356.
Ataxia-telangiectasia syndrome (AT). Also called: LOUIS-BAR SYNDROME; Cerebello-oculocutaneous telangiectasia; Immunodeficiency with ataxia telangiectasia; Ataxia-telangiectasia, complementation group D; AT, COMPLEMENTATION GROUP C; ATAXIA-TELANGIECTASIA, COMPLEMENTATION GROUP A. Identifiers: Orphanet 100, MedGen C0004135, MONDO:0008840, OMIM 208900.

Allele frequency attached by ClinVar (database versions not stated): gnomAD exomes below 0.00001.
gnomAD v4.1: 2 of 1,613,660 alleles (0.00012%); highest among the groups gnomAD compares: African/African-American, 0.0013%; no homozygotes.

Submissions (2):

Labcorp Genetics (formerly Invitae), Labcorp
Classification: Uncertain significance for Ataxia-telangiectasia syndrome. Last evaluated: 2025-12-09. Review status: criteria provided, single submitter. Criteria: Invitae Variant Classification Sherloc (09022015). Collection method: clinical testing. Allele origin: germline.
Comment: This sequence change falls in intron 8 of the ATM gene. It does not directly change the encoded amino acid sequence of the ATM protein. It affects a nucleotide within the consensus splice site. This variant is present in population databases (no rsID available, gnomAD 0.003%). This variant has not been reported in the literature in individuals affected with ATM-related conditions. ClinVar contains an entry for this variant (Variation ID: 1332278). Variants that disrupt the consensus splice site are a relatively common cause of aberrant splicing (PMID: 17576681, 9536098). Algorithms developed to predict the effect of sequence changes on RNA splicing suggest that this variant may disrupt the consensus splice site. In summary, the available evidence is currently insufficient to determine the role of this variant in disease. Therefore, it has been classified as a Variant of Uncertain Significance.

Color Diagnostics, LLC DBA Color Health
Classification: Uncertain significance for Hereditary cancer-predisposing syndrome. Last evaluated: 2021-08-05. Review status: criteria provided, single submitter. Criteria: ACMG Guidelines, 2015. Collection method: clinical testing. Allele origin: germline.
Comment: This variant causes an A to G nucleotide substitution at the +5 position of intron 8 of the ATM gene. Splice site prediction tools suggest that this variant may not impact RNA splicing, although this prediction has not been confirmed in published RNA studies. To our knowledge, this variant has not been reported in individuals affected with hereditary cancer in the literature. This variant has been identified in 1/250962 chromosomes in the general population by the Genome Aggregation Database (gnomAD). The available evidence is insufficient to determine the role of this variant in disease conclusively. Therefore, this variant is classified as a Variant of Uncertain Significance.

Literature cited by the submitters: PubMed 17576681 (cited by Labcorp Genetics (formerly Invitae), Labcorp); PubMed 9536098 (cited by Labcorp Genetics (formerly Invitae), Labcorp).